The following is an entry in ClinVar:

NM_013266.4(CTNNA3):c.1697G>T (p.Gly566Val)

Gene: CTNNA3 (catenin alpha 3; minus strand). Cytogenetic location: 10q21.3.
Variant type: single nucleotide variant.
Coding change: c.1697G>T on transcript NM_013266.4 (MANE Select); coding-DNA position 1697, G replaced by T.
Protein change: p.Gly566Val; replaces glycine 566 with valine.
Molecular consequence: missense variant.
Genome position (GRCh38, 1-based): chr10:66,379,187, C>A on the plus strand (G>T on the coding strand, the complement: CTNNA3 is on the minus strand). VCF-style: chr10-66379187-C-A. GRCh37 (hg19) VCF-style: chr10-68138945-C-A.
Other names: c.1697G>T, p.Gly566Val (NM_001127384.3); short protein forms G566V.
Identifiers: ClinVar variation 4008024 (VCV004008024.1).

ClinVar aggregate classification (germline): Uncertain significance (1 of 4 stars; one submission).

gnomAD v4.1: 2 of 1,614,000 alleles (0.00012%); highest among the groups gnomAD compares: African/African-American, 0.0027%; no homozygotes.

Submission:

Ambry Genetics
Classification: Uncertain significance. Last evaluated: 2025-05-24. Review status: criteria provided, single submitter. Criteria: Ambry Variant Classification Scheme 2023. Collection method: clinical testing. Allele origin: germline.
Comment: The p.G566V variant (also known as c.1697G>T), located in coding exon 11 of the CTNNA3 gene, results from a G to T substitution at nucleotide position 1697. The glycine at codon 566 is replaced by valine, an amino acid with dissimilar properties. This amino acid position is conserved. In addition, this alteration is predicted to be tolerated by in silico analysis. Based on the available evidence, the clinical significance of this variant remains unclear.